The following is an entry in ClinVar:

ClinVar aggregate classification (germline): Uncertain significance. Review status: criteria provided, single submitter (1 of 4 stars). 2 submissions from 2 submitters: Uncertain significance (1). 1 of the submissions does not count toward it. Last evaluated 2022-07-19.

Conditions:
Meckel syndrome, type 1 (MKS1). Also called: MECKEL-GRUBER SYNDROME, TYPE 1. Identifiers: Orphanet 564, MedGen C3714506, MONDO:0009571, OMIM 249000.
Meckel-Gruber syndrome. Also called: DYSENCEPHALIA SPLANCHNOCYSTICA; GRUBER SYNDROME; Dysencephalia splachnocystica. Identifiers: Orphanet 564, MedGen C0265215, MONDO:0018921.
Joubert syndrome. Also called: CEREBELLOPARENCHYMAL DISORDER IV; JOUBERT-BOLTSHAUSER SYNDROME; Familial aplasia of the vermis. Identifiers: Orphanet 475, MedGen C5979921, MONDO:0018772.

Allele frequency attached by ClinVar (database versions not stated): gnomAD exomes below 0.00001.
gnomAD v4.1: 1 of 1,606,514 alleles (0.000062%); highest among the groups gnomAD compares: Non-Finnish European, 0.000085%; no homozygotes.

Submissions (2):

Labcorp Genetics (formerly Invitae), Labcorp
Classification: Uncertain significance for Joubert syndrome; Meckel-Gruber syndrome. Last evaluated: 2022-07-19. Review status: criteria provided, single submitter. Criteria: Invitae Variant Classification Sherloc (09022015). Collection method: clinical testing. Allele origin: germline.
Comment: In summary, the available evidence is currently insufficient to determine the role of this variant in disease. Therefore, it has been classified as a Variant of Uncertain Significance. Advanced modeling of protein sequence and biophysical properties (such as structural, functional, and spatial information, amino acid conservation, physicochemical variation, residue mobility, and thermodynamic stability) performed at Invitae indicates that this missense variant is not expected to disrupt MKS1 protein function. ClinVar contains an entry for this variant (Variation ID: 1479194). This variant has not been reported in the literature in individuals affected with MKS1-related conditions. This variant is not present in population databases (gnomAD no frequency). This sequence change replaces serine, which is neutral and polar, with alanine, which is neutral and non-polar, at codon 153 of the MKS1 protein (p.Ser153Ala).

Natera, Inc.
Classification: Uncertain significance for Meckel syndrome type 1. Last evaluated: 2025-02-18. Review status: no assertion criteria provided. Collection method: clinical testing. Allele origin: germline. Not counted in ClinVar's aggregate classification.

NM_017777.4(MKS1):c.457T>G (p.Ser153Ala)

Gene: MKS1 (MKS transition zone complex subunit 1; minus strand). Cytogenetic location: 17q22.
Variant type: single nucleotide variant.
Coding change: c.457T>G on transcript NM_017777.4 (MANE Select); coding-DNA position 457, T replaced by G.
Protein change: p.Ser153Ala; replaces serine 153 with alanine.
Molecular consequence: missense variant. On other transcripts: intron variant (1).
Genome position (GRCh38, 1-based): chr17:58,214,799, A>C on the plus strand (T>G on the coding strand, the complement: MKS1 is on the minus strand). VCF-style: chr17-58214799-A-C. GRCh37 (hg19) VCF-style: chr17-56292160-A-C.
Other names: c.457T>G, p.Ser153Ala (NM_001321269.2, NM_001330397.2); c.-94-412T>G (NM_001321268.2); c.457T>G (NM_017777.3); short protein forms S153A.
Identifiers: ClinVar variation 1479194 (VCV001479194.9), dbSNP rs2143809333, ClinGen allele CA400327224.